The following is an entry in ClinVar:

ClinVar aggregate classification (germline): Conflicting classifications of pathogenicity. Review status: criteria provided, conflicting classifications (1 of 4 stars). 4 submissions from 4 submitters: Uncertain significance (3); Likely benign (1). Last evaluated 2025-05-26.

Conditions:
Hereditary cancer-predisposing syndrome. Also called: Hereditary Cancer Syndrome; Hereditary neoplastic syndrome; Neoplastic Syndromes, Hereditary; Tumor predisposition. Identifiers: Orphanet 140162, MedGen C0027672, MeSH D009386, MONDO:0015356.
Intellectual disability, autosomal dominant 16 (CSS4). Also called: COFFIN-SIRIS SYNDROME 4. Identifiers: Orphanet 1465, MedGen C3553249, MONDO:0013821, OMIM 614609.
Rhabdoid tumor predisposition syndrome 2 (RTPS2). Identifiers: Orphanet 231108, Orphanet 69077, MedGen C2750074, MONDO:0013224, OMIM 613325.

Allele frequency attached by ClinVar (database versions not stated): TOPMed 0.00001; ExAC 0.00001; gnomAD 0.00001; gnomAD exomes 0.00001.
gnomAD v4.1: 14 of 1,613,848 alleles (0.00087%); highest among the groups gnomAD compares: East Asian, 0.0022%; no homozygotes.

Submissions (4):

Labcorp Genetics (formerly Invitae), Labcorp
Classification: Uncertain significance for Rhabdoid tumor predisposition syndrome 2. Last evaluated: 2025-05-26. Review status: criteria provided, single submitter. Criteria: Invitae Variant Classification Sherloc (09022015). Collection method: clinical testing. Allele origin: germline.
Comment: This sequence change replaces glutamic acid, which is acidic and polar, with lysine, which is basic and polar, at codon 1614 of the SMARCA4 protein (p.Glu1614Lys). This variant is present in population databases (rs768899897, gnomAD 0.006%). This variant has not been reported in the literature in individuals affected with SMARCA4-related conditions. ClinVar contains an entry for this variant (Variation ID: 408629). Invitae Evidence Modeling of protein sequence and biophysical properties (such as structural, functional, and spatial information, amino acid conservation, physicochemical variation, residue mobility, and thermodynamic stability) indicates that this missense variant is not expected to disrupt SMARCA4 protein function with a negative predictive value of 80%. In summary, the available evidence is currently insufficient to determine the role of this variant in disease. Therefore, it has been classified as a Variant of Uncertain Significance.

GeneDx
Classification: Uncertain significance. Last evaluated: 2024-04-05. Review status: criteria provided, single submitter. Criteria: GeneDx Variant Classification Process June 2021. Collection method: clinical testing. Allele origin: germline. Affected: yes.
Comment: Has not been previously published as pathogenic or benign to our knowledge; In silico analysis indicates that this missense variant does not alter protein structure/function

Ambry Genetics
Classification: Likely benign for Hereditary cancer-predisposing syndrome. Last evaluated: 2022-08-04. Review status: criteria provided, single submitter. Criteria: Ambry Variant Classification Scheme 2023. Collection method: clinical testing. Allele origin: germline.

Genome-Nilou Lab
Classification: Uncertain significance for Intellectual disability, autosomal dominant 16. Last evaluated: 2021-07-15. Review status: criteria provided, single submitter. Criteria: ACMG Guidelines, 2015. Collection method: clinical testing. Allele origin: germline. Affected: no.

NM_003072.5(SMARCA4):c.4744G>A (p.Glu1582Lys)

Gene: SMARCA4 (SWI/SNF related BAF chromatin remodeling complex subunit ATPase 4; plus strand). Cytogenetic location: 19p13.2.
Variant type: single nucleotide variant.
Coding change: c.4744G>A on transcript NM_003072.5 (MANE Select); coding-DNA position 4744, G replaced by A.
Protein change: p.Glu1582Lys; replaces glutamic acid 1582 with lysine.
Molecular consequence: missense variant. On other transcripts: non-coding transcript variant (1).
Genome position (GRCh38, 1-based): chr19:11,059,861, G>A. VCF-style: chr19-11059861-G-A. GRCh37 (hg19) VCF-style: chr19-11170537-G-A.
Other names: c.4744G>A, p.Glu1582Lys (NM_001128844.3); c.4654G>A, p.Glu1552Lys (NM_001128845.2); c.4651G>A, p.Glu1551Lys (NM_001128846.2); c.4645G>A, p.Glu1549Lys (NM_001128847.4, NM_001374457.1); c.4642G>A, p.Glu1548Lys (NM_001128848.2); c.4840G>A, p.Glu1614Lys (NM_001128849.3, NM_001387283.1); short protein forms E1614K, E1549K, E1551K, E1552K, E1548K, E1582K.
Identifiers: ClinVar variation 408629 (VCV000408629.17), dbSNP rs768899897, ClinGen allele CA9204833.